The following is an entry in ClinVar:

NM_182961.4(SYNE1):c.6135T>G (p.Ile2045Met)

Gene: SYNE1 (spectrin repeat containing nuclear envelope protein 1; minus strand). Cytogenetic location: 6q25.2.
Variant type: single nucleotide variant.
Coding change: c.6135T>G on transcript NM_182961.4 (MANE Select); coding-DNA position 6135, T replaced by G.
Protein change: p.Ile2045Met; replaces isoleucine 2045 with methionine.
Molecular consequence: missense variant.
Genome position (GRCh38, 1-based): chr6:152,413,447, A>C on the plus strand (T>G on the coding strand, the complement: SYNE1 is on the minus strand). VCF-style: chr6-152413447-A-C. GRCh37 (hg19) VCF-style: chr6-152734582-A-C.
Other names: p.Ile2052Met; c.6156T>G, p.Ile2052Met (NM_033071.5); short protein forms I2045M, I2052M.
Identifiers: ClinVar variation 355919 (VCV000355919.47), dbSNP rs116600265, ClinGen allele CA4058154.

ClinVar aggregate classification (germline): Benign/Likely benign. Review status: criteria provided, multiple submitters, no conflicts (2 of 4 stars). 13 submissions from 12 submitters: Benign (5); Likely benign (4). 4 of the submissions do not count toward it. Last evaluated 2026-01-26.

Conditions:
Autosomal recessive ataxia, Beauce type. Also called: SYNE1 Deficiency; ATAXIA, RECESSIVE, OF BEAUCE; SYNE1-Related Autosomal Recessive Cerebellar Ataxia; Spinocerebellar ataxia, autosomal recessive 8. Identifiers: Orphanet 88644, MedGen C1853116, MONDO:0012549, OMIM 610743.
Emery-Dreifuss muscular dystrophy 4, autosomal dominant (EDMD4). Also called: EMERY-DREIFUSS MUSCULAR DYSTROPHY 4 WITH VARIABLE FEATURES. Identifiers: Orphanet 261, MedGen C2751807, MONDO:0013071, OMIM 612998.
SYNE1-related disorder. Also called: SYNE1-related disease; SYNE1-related condition; SYNE1-related disorders.

Allele frequency attached by ClinVar (database versions not stated): gnomAD exomes 0.00037 and 0.00081; ExAC 0.00101; 1000 Genomes Project 0.00240; 1000 Genomes Project 30x 0.00250; gnomAD 0.00353 and 0.00379; TOPMed 0.00380; ESP Exome Variant Server 0.00400.
gnomAD v4.1: 1,111 of 1,614,122 alleles (0.069%); highest among the groups gnomAD compares: African/African-American, 1.2%; 7 homozygotes.

Submissions (13):

Labcorp Genetics (formerly Invitae), Labcorp
Classification: Benign for Emery-Dreifuss muscular dystrophy 4, autosomal dominant; Autosomal recessive ataxia, Beauce type. Last evaluated: 2026-01-26. Review status: criteria provided, single submitter. Criteria: Invitae Variant Classification Sherloc (09022015). Collection method: clinical testing. Allele origin: germline.

Blueprint Genetics
Classification: Likely benign. Last evaluated: 2024-11-13. Review status: criteria provided, single submitter. Criteria: ACMG Guidelines, 2015. Collection method: clinical testing. Allele origin: germline.

CeGaT Center for Human Genetics Tuebingen
Classification: Likely benign. Last evaluated: 2023-07-01. Review status: criteria provided, single submitter. Criteria: CeGaT Center For Human Genetics Tuebingen Variant Classification Criteria Version 2. Collection method: clinical testing. Allele origin: germline. Affected: yes. Observed: 1 variant allele.
Comment: SYNE1: BP4, BS1

GeneDx
Classification: Likely benign. Last evaluated: 2021-01-25. Review status: criteria provided, single submitter. Criteria: GeneDx Variant Classification Process June 2021. Collection method: clinical testing. Allele origin: germline. Affected: yes.

Athena Diagnostics
Classification: Benign. Last evaluated: 2019-04-10. Review status: criteria provided, single submitter. Criteria: Athena Diagnostics Criteria. Collection method: clinical testing. Allele origin: germline.

Mayo Clinic Laboratories, Mayo Clinic
Classification: Benign. Last evaluated: 2018-02-21. Review status: criteria provided, single submitter. Criteria: ACMG Guidelines, 2015. Collection method: clinical testing. Allele origin: germline. Observed: 3 variant alleles.

Illumina Laboratory Services, Illumina
Classification: Benign for Autosomal recessive ataxia, Beauce type. Last evaluated: 2018-01-12. Review status: criteria provided, single submitter. Criteria: ICSL Variant Classification Criteria 13 December 2019. Collection method: clinical testing. Allele origin: germline.
Comment: This variant was observed in the ICSL laboratory as part of a predisposition screen in an ostensibly healthy population. It had not been previously curated by ICSL or reported in the Human Gene Mutation Database (HGMD: prior to June 1st, 2018), and was therefore a candidate for classification through an automated scoring system. Utilizing variant allele frequency, disease prevalence and penetrance estimates, and inheritance mode, an automated score was calculated to assess if this variant is too frequent to cause the disease. Based on the score and internal cut-off values, a variant classified as benign is not then subjected to further curation. The score for this variant resulted in a classification of benign for this disease.

Illumina Laboratory Services, Illumina
Classification: Benign for Emery-Dreifuss muscular dystrophy 4, autosomal dominant. Last evaluated: 2018-01-12. Review status: criteria provided, single submitter. Criteria: ICSL Variant Classification Criteria 13 December 2019. Collection method: clinical testing. Allele origin: germline.
Comment: the same text as in the submission from Illumina Laboratory Services, Illumina above.

Breakthrough Genomics
Classification: Likely benign. Review status: criteria provided, single submitter. Criteria: ACMG Guidelines, 2015. Collection method: not provided. Allele origin: germline. Inheritance: Autosomal recessive inheritance. Affected: yes.

PreventionGenetics, part of Exact Sciences
Classification: Benign for SYNE1-related condition. Last evaluated: 2020-03-18. Review status: no assertion criteria provided. Collection method: clinical testing. Allele origin: germline. Not counted in ClinVar's aggregate classification.
Comment: This variant is classified as benign based on ACMG/AMP sequence variant interpretation guidelines (Richards et al. 2015 PMID: 25741868, with internal and published modifications).

Clinical Genetics DNA and cytogenetics Diagnostics Lab, Erasmus MC, Erasmus Medical Center
Classification: Benign. Review status: no assertion criteria provided. Collection method: clinical testing. Allele origin: germline. Affected: yes. Study: VKGL Data-share Consensus. Not counted in ClinVar's aggregate classification.

Genome Diagnostics Laboratory, University Medical Center Utrecht
Classification: Benign. Review status: no assertion criteria provided. Collection method: clinical testing. Allele origin: germline. Affected: yes. Study: VKGL Data-share Consensus. Not counted in ClinVar's aggregate classification.

Laboratory of Diagnostic Genome Analysis, Leiden University Medical Center (LUMC)
Classification: Likely benign. Review status: no assertion criteria provided. Collection method: clinical testing. Allele origin: germline. Affected: yes. Study: VKGL Data-share Consensus. Not counted in ClinVar's aggregate classification.